The following is an entry in ClinVar:

NM_020856.4(TSHZ3):c.1406A>G (p.Glu469Gly)

Gene: TSHZ3 (teashirt zinc finger homeobox 3; minus strand). Cytogenetic location: 19q12.
Variant type: single nucleotide variant.
Coding change: c.1406A>G on transcript NM_020856.4 (MANE Select); coding-DNA position 1406, A replaced by G.
Protein change: p.Glu469Gly; replaces glutamic acid 469 with glycine.
Molecular consequence: missense variant.
Genome position (GRCh38, 1-based): chr19:31,278,387, T>C on the plus strand (A>G on the coding strand, the complement: TSHZ3 is on the minus strand). VCF-style: chr19-31278387-T-C. GRCh37 (hg19) VCF-style: chr19-31769293-T-C.
Other names: c.1406A>G (NM_020856.3); short protein forms E469G.
Identifiers: ClinVar variation 2649678 (VCV002649678.25), dbSNP rs143453460, ClinGen allele CA9354292.

ClinVar aggregate classification (germline): Likely benign. Review status: criteria provided, single submitter (1 of 4 stars). 2 submissions from 2 submitters: Likely benign (1). 1 of the submissions does not count toward it. Last evaluated 2025-09-01.

Conditions:
TSHZ3-related disorder. Also called: TSHZ3-related condition.

Allele frequency attached by ClinVar (database versions not stated): 1000 Genomes Project 0.00359; 1000 Genomes Project 30x 0.00375; TOPMed 0.00772; gnomAD 0.00783; ExAC 0.00806; ESP Exome Variant Server 0.00846; gnomAD exomes 0.00883.
gnomAD v4.1: 14,110 of 1,614,172 alleles (0.87%); highest among the groups gnomAD compares: Middle Eastern, 3.2%; 84 homozygotes.

Submissions (2):

CeGaT Center for Human Genetics Tuebingen
Classification: Likely benign. Last evaluated: 2025-09-01. Review status: criteria provided, single submitter. Criteria: CeGaT Center For Human Genetics Tuebingen Variant Classification Criteria Version 2. Collection method: clinical testing. Allele origin: germline. Affected: yes. Observed: 3 variant alleles.
Comment: TSHZ3: BS2

PreventionGenetics, part of Exact Sciences
Classification: Benign for TSHZ3-related condition. Last evaluated: 2022-01-19. Review status: no assertion criteria provided. Collection method: clinical testing. Allele origin: germline. Not counted in ClinVar's aggregate classification.
Comment: This variant is classified as benign based on ACMG/AMP sequence variant interpretation guidelines (Richards et al. 2015 PMID: 25741868, with internal and published modifications).